The following is an entry in ClinVar:

NM_025114.4(CEP290):c.2156T>A (p.Leu719His)

Gene: CEP290 (centrosomal protein 290; minus strand). Cytogenetic location: 12q21.32.
Variant type: single nucleotide variant.
Coding change: c.2156T>A on transcript NM_025114.4 (MANE Select); coding-DNA position 2156, T replaced by A.
Protein change: p.Leu719His; replaces leucine 719 with histidine.
Molecular consequence: missense variant.
Genome position (GRCh38, 1-based): chr12:88,111,755, A>T on the plus strand (T>A on the coding strand, the complement: CEP290 is on the minus strand). VCF-style: chr12-88111755-A-T. GRCh37 (hg19) VCF-style: chr12-88505532-A-T.
Other names: short protein forms L719H.
Identifiers: ClinVar variation 3575462 (VCV003575462.4).

ClinVar aggregate classification (germline): Uncertain significance. Review status: criteria provided, multiple submitters, no conflicts (2 of 4 stars). 3 submissions from 3 submitters: Uncertain significance (3). Last evaluated 2024-05-09.

Conditions:
Joubert syndrome 5 (JBTS5). Identifiers: Orphanet 2318, MedGen C1857780, MONDO:0012432, OMIM 610188.
Leber congenital amaurosis 10 (LCA10). Identifiers: Orphanet 65, MedGen C1857821, MONDO:0012723, OMIM 611755.
Senior-Loken syndrome 6 (SLSN6). Identifiers: Orphanet 3156, MedGen C1857779, MONDO:0012433, OMIM 610189.
Bardet-Biedl syndrome 14 (BBS14). Identifiers: Orphanet 110, MedGen C2673874, MONDO:0014442, OMIM 615991.
Meckel syndrome, type 4 (MKS4). Also called: MECKEL-GRUBER SYNDROME, TYPE 4. Identifiers: Orphanet 564, MedGen C1970161, MONDO:0012626, OMIM 611134.
Joubert syndrome. Also called: JOUBERT-BOLTSHAUSER SYNDROME; Familial aplasia of the vermis. Identifiers: Orphanet 475, MedGen C5979921, MONDO:0018772.
Nephronophthisis. Also called: Juvenile Nephronophthisis. Identifiers: Orphanet 655, MedGen C0687120, MONDO:0019005, HP:0000090.
Meckel-Gruber syndrome. Also called: DYSENCEPHALIA SPLANCHNOCYSTICA; GRUBER SYNDROME; Dysencephalia splachnocystica. Identifiers: Orphanet 564, MedGen C0265215, MONDO:0018921.

gnomAD v4.1: 3 of 1,604,644 alleles (0.00019%); highest among the groups gnomAD compares: Non-Finnish European, 0.00017%; no homozygotes.

Submissions (3):

Fulgent Genetics
Classification: Uncertain significance for Joubert syndrome 5; Senior-Loken syndrome 6; Meckel syndrome, type 4; Leber congenital amaurosis 10; Bardet-Biedl syndrome 14. Last evaluated: 2024-05-09. Review status: criteria provided, single submitter. Criteria: ACMG Guidelines, 2015. Collection method: clinical testing. Allele origin: germline.

Labcorp Genetics (formerly Invitae), Labcorp
Classification: Uncertain significance for Joubert syndrome; Meckel-Gruber syndrome; Nephronophthisis. Last evaluated: 2024-03-12. Review status: criteria provided, single submitter. Criteria: Invitae Variant Classification Sherloc (09022015). Collection method: clinical testing. Allele origin: germline.
Comment: This sequence change replaces leucine, which is neutral and non-polar, with histidine, which is basic and polar, at codon 719 of the CEP290 protein (p.Leu719His). This variant is not present in population databases (gnomAD no frequency). This variant has not been reported in the literature in individuals affected with CEP290-related conditions. Advanced modeling of protein sequence and biophysical properties (such as structural, functional, and spatial information, amino acid conservation, physicochemical variation, residue mobility, and thermodynamic stability) performed at Invitae indicates that this missense variant is expected to disrupt CEP290 protein function with a positive predictive value of 80%. In summary, the available evidence is currently insufficient to determine the role of this variant in disease. Therefore, it has been classified as a Variant of Uncertain Significance.

Blueprint Genetics
Classification: Uncertain significance. Last evaluated: 2022-05-20. Review status: criteria provided, single submitter. Criteria: ACMG Guidelines, 2015. Collection method: clinical testing. Allele origin: germline.